The following is an entry in ClinVar:

NM_000983.4(RPL22):c.44dup (p.Lys16fs)

Gene: RPL22 (ribosomal protein L22; minus strand). Cytogenetic location: 1p36.31.
Variant type: Duplication.
Coding change: c.44dup on transcript NM_000983.4 (MANE Select); coding-DNA position 44, one base duplicated (A; older notation c.44dupA).
Protein change: p.Lys16fs; shifts the reading frame from lysine 16.
Molecular consequence: frameshift variant.
Genome position (GRCh38, 1-based): chr1:6,197,725, T duplicated on the plus strand (A on the coding strand, the reverse complement: RPL22 is on the minus strand); the first of 8 consecutive T bases (chr1:6,197,725-6,197,732); duplicating any one gives the same sequence. VCF-style (leftmost placement, unchanged base first): chr1-6197724-C-CT. GRCh37 (hg19) VCF-style: chr1-6257784-C-CT.
Other names: short protein forms K16fs.
Identifiers: ClinVar variation 4530314 (VCV004530314.1).

ClinVar aggregate classification (somatic clinical impact): Tier II - Potential (1 of 4 stars; one submission).

Conditions:
Acute myeloid leukemia (AML). Also called: Acute myeloid leukemia, adult; AML adult; Acute non-lymphocytic leukemia; Acute granulocytic leukemia; Leukemia, acute myeloid, somatic; Leukemia, acute myelogenous, somatic. Identifiers: Orphanet 519, MedGen C0023467, MeSH D015470, MONDO:0018874, OMIM 601626, HP:0004808. Disease mechanism: Constitutively activated FLT3.

Submission:

Institute for Genomic Medicine (IGM) Clinical Laboratory, Nationwide Children's Hospital
Classification: Tier II - Potential for Acute myeloid leukemia. Assertion type: diagnostic. Clinical significance: supports diagnosis. Last evaluated: 2023-10-12. Review status: criteria provided, single submitter. Criteria: AMP/ASCO/CAP Guidelines, 2017. Collection method: clinical testing. Allele origin: somatic. Affected: yes.
Comment: Variant has Tier II (potential) clinical significance as a diagnostic inclusion criterion in acute myeloid leukemia, based on the following evidence: 1) Documented in one or more cancer databases (e.g., St. Jude Pecan, COSMIC, CIViC, OncoKB). 2) Information in the literature supports potential biologic effect of variant. 3) Diagnostic significance based on multiple small studies (Evidence Level C; PMIDs: 29222326, 29207594, 22976955, 25196364, 24132290).

Literature cited by the submitters: PubMed 29222326; PubMed 29207594; PubMed 22976955; PubMed 25196364; PubMed 24132290.